The following is an entry in ClinVar:

ClinVar aggregate classification (germline): Uncertain significance (1 of 4 stars; one submission).

Conditions:
Angelman syndrome (AS). Also called: HAPPY PUPPET SYNDROME. Identifiers: Orphanet 72, MedGen C0162635, MONDO:0007113, OMIM 105830. Disease mechanism: loss of function. Inheritance: AS is caused by disruption of maternally imprinted UBE3A located within the 15q11.2-q13 Angelman syndrome/Prader-Willi syndrome (AS/PWS) region., imprinting disorder.

Allele frequency attached by ClinVar (database versions not stated): gnomAD exomes below 0.00001; TOPMed below 0.00001; ExAC 0.00001.
gnomAD v4.1: 3 of 1,614,140 alleles (0.00019%); highest among the groups gnomAD compares: East Asian, 0.0022%; no homozygotes.

Submission:

Labcorp Genetics (formerly Invitae), Labcorp
Classification: Uncertain significance for Angelman syndrome. Last evaluated: 2023-09-21. Review status: criteria provided, single submitter. Criteria: Invitae Variant Classification Sherloc (09022015). Collection method: clinical testing. Allele origin: germline.
Comment: This sequence change replaces lysine, which is basic and polar, with glutamic acid, which is acidic and polar, at codon 172 of the UBE3A protein (p.Lys172Glu). This variant has not been reported in the literature in individuals affected with UBE3A-related conditions. This variant is present in population databases (rs757072130, gnomAD 0.003%). In summary, the available evidence is currently insufficient to determine the role of this variant in disease. Therefore, it has been classified as a Variant of Uncertain Significance. Advanced modeling of protein sequence and biophysical properties (such as structural, functional, and spatial information, amino acid conservation, physicochemical variation, residue mobility, and thermodynamic stability) has been performed at Invitae for this missense variant, however the output from this modeling did not meet the statistical confidence thresholds required to predict the impact of this variant on UBE3A protein function. ClinVar contains an entry for this variant (Variation ID: 1404897).

NM_130839.5(UBE3A):c.574A>G (p.Lys192Glu)

Genes: SNHG14 (small nucleolar RNA host gene 14; plus strand), UBE3A (ubiquitin protein ligase E3A; minus strand). Cytogenetic location: 15q11.2.
Variant type: single nucleotide variant.
Coding change: c.574A>G on transcript NM_130839.5 (MANE Select); coding-DNA position 574, A replaced by G.
Protein change: p.Lys192Glu; replaces lysine 192 with glutamic acid.
Molecular consequence: missense variant. On other transcripts: non-coding transcript variant (1), intron variant (2).
Genome position (GRCh38, 1-based): chr15:25,371,600, T>C on the plus strand (A>G on the coding strand, the complement: UBE3A is on the minus strand). VCF-style: chr15-25371600-T-C. GRCh37 (hg19) VCF-style: chr15-25616747-T-C.
Other names: c.583A>G, p.Lys195Glu (NM_000462.5); c.574A>G, p.Lys192Glu (NM_001354505.1, NM_001354538.2, NM_001354545.2); c.514A>G, p.Lys172Glu (NM_001354506.2, NM_001354507.2, NM_001354508.2 and 17 more transcripts); c.397A>G, p.Lys133Glu (NM_001354546.2); c.301+3865A>G (NM_001354551.2); c.361+3865A>G (NM_001354550.2); short protein forms K172E, K133E, K195E, K192E.
Identifiers: ClinVar variation 1404897 (VCV001404897.8), dbSNP rs757072130, ClinGen allele CA7435621.
Genomic context (GRCh38, chr15:25,371,600, plus strand): 5'-CTATCCTTGAGGAAGATGCTTCTGAGTCTTCTTCCATAGCAGCAGCAGAACATGCAGCTT[T>C]TTCCTTTTCATCTTCATCTTTGTCTTCATCTTTTGCTTGAAGAGATTTCAGTTCTTCCTT-3'
Protein context (NP_570854.1, residues 182-202): DEDKDEDEKE[Lys192Glu]AACSAAAMEE